The following is an entry in ClinVar:

NM_000057.4(BLM):c.512C>T (p.Thr171Ile)

Gene: BLM (BLM RecQ like helicase; plus strand). Cytogenetic location: 15q26.1.
Variant type: single nucleotide variant.
Coding change: c.512C>T on transcript NM_000057.4 (MANE Select); coding-DNA position 512, C replaced by T.
Protein change: p.Thr171Ile; replaces threonine 171 with isoleucine.
Molecular consequence: missense variant. On other transcripts: 5 prime UTR variant (1).
Genome position (GRCh38, 1-based): chr15:90,749,780, C>T. VCF-style: chr15-90749780-C-T. GRCh37 (hg19) VCF-style: chr15-91293010-C-T.
Other names: c.512C>T, p.Thr171Ile (NM_001287246.2, NM_001287247.2); c.-780C>T (NM_001287248.2); short protein forms T171I.
Identifiers: ClinVar variation 2780499 (VCV002780499.3), dbSNP rs2151147496, ClinGen allele CA393840950.

ClinVar aggregate classification (germline): Uncertain significance (1 of 4 stars; one submission).

Conditions:
Bloom syndrome (BLM). Also called: Bloom-Torre-Machacek syndrome. Identifiers: Orphanet 125, MedGen C0005859, MONDO:0008876, OMIM 210900.

Allele frequency attached by ClinVar (database versions not stated): gnomAD exomes below 0.00001.
gnomAD v4.1: 2 of 1,612,296 alleles (0.00012%); highest among the groups gnomAD compares: Non-Finnish European, 0.000085%; no homozygotes.

Submission:

Labcorp Genetics (formerly Invitae), Labcorp
Classification: Uncertain significance for Bloom syndrome. Last evaluated: 2023-01-06. Review status: criteria provided, single submitter. Criteria: Invitae Variant Classification Sherloc (09022015). Collection method: clinical testing. Allele origin: germline.
Comment: In summary, the available evidence is currently insufficient to determine the role of this variant in disease. Therefore, it has been classified as a Variant of Uncertain Significance. Algorithms developed to predict the effect of missense changes on protein structure and function are either unavailable or do not agree on the potential impact of this missense change (SIFT: "Tolerated"; PolyPhen-2: "Possibly Damaging"; Align-GVGD: "Class C0"). This variant has not been reported in the literature in individuals affected with BLM-related conditions. This variant is not present in population databases (gnomAD no frequency). This sequence change replaces threonine, which is neutral and polar, with isoleucine, which is neutral and non-polar, at codon 171 of the BLM protein (p.Thr171Ile).